The following is an entry in ClinVar:

NM_000535.7(PMS2):c.1703C>G (p.Pro568Arg)

Gene: PMS2 (PMS1 homolog 2, mismatch repair system component; minus strand). Cytogenetic location: 7p22.1.
Variant type: single nucleotide variant.
Coding change: c.1703C>G on transcript NM_000535.7 (MANE Select); coding-DNA position 1703, C replaced by G.
Protein change: p.Pro568Arg; replaces proline 568 with arginine.
Molecular consequence: missense variant. On other transcripts: non-coding transcript variant (1).
Genome position (GRCh38, 1-based): chr7:5,987,062, G>C on the plus strand (C>G on the coding strand, the complement: PMS2 is on the minus strand). VCF-style: chr7-5987062-G-C. GRCh37 (hg19) VCF-style: chr7-6026693-G-C.
Other names: c.1298C>G, p.Pro433Arg (NM_001322003.2, NM_001322004.2, NM_001322005.2 and 1 more transcripts); c.1547C>G, p.Pro516Arg (NM_001322006.2); c.1385C>G, p.Pro462Arg (NM_001322007.2, NM_001322008.2); c.1142C>G, p.Pro381Arg (NM_001322010.2); c.770C>G, p.Pro257Arg (NM_001322011.2, NM_001322012.2); c.1130C>G, p.Pro377Arg (NM_001322013.2); c.1703C>G, p.Pro568Arg (NM_001322014.2); c.1394C>G, p.Pro465Arg (NM_001322015.2); short protein forms P568R, P462R, P516R, P257R, P377R, P381R, P433R, P465R.
Identifiers: ClinVar variation 224585 (VCV000224585.33), dbSNP rs869312801, ClinGen allele CA357814.

ClinVar aggregate classification (germline): Conflicting classifications of pathogenicity. Review status: criteria provided, conflicting classifications (1 of 4 stars). 10 submissions from 10 submitters: Uncertain significance (9); Likely benign (1). Last evaluated 2026-01-06.

Conditions:
PMS2-related disorder. Also called: PMS2-related condition.
Hereditary nonpolyposis colorectal neoplasms. Identifiers: MedGen C0009405, MeSH D003123.
Hereditary cancer-predisposing syndrome. Also called: Neoplastic Syndromes, Hereditary; Tumor predisposition; Hereditary Cancer Syndrome; Hereditary neoplastic syndrome. Identifiers: Orphanet 140162, MedGen C0027672, MeSH D009386, MONDO:0015356.
Lynch syndrome. Identifiers: Orphanet 144, MedGen C4552100, MONDO:0005835. Disease mechanism: loss of function.
Lynch syndrome 4 (LYNCH4). Also called: Colorectal cancer, hereditary nonpolyposis, type 4; Hereditary non-polyposis colorectal cancer, type 4. Identifiers: Orphanet 144, MedGen C1838333, MONDO:0013699, OMIM 614337. Disease mechanism: loss of function.

Allele frequency attached by ClinVar (database versions not stated): TOPMed 0.00001.
gnomAD v4.1: 11 of 1,614,018 alleles (0.00068%); highest among the groups gnomAD compares: Non-Finnish European, 0.00085%; no homozygotes.

Submissions (10):

Labcorp Genetics (formerly Invitae), Labcorp
Classification: Uncertain significance for Hereditary nonpolyposis colorectal neoplasms. Last evaluated: 2026-01-06. Review status: criteria provided, single submitter. Criteria: Invitae Variant Classification Sherloc (09022015). Collection method: clinical testing. Allele origin: germline.
Comment: This sequence change replaces proline, which is neutral and non-polar, with arginine, which is basic and polar, at codon 568 of the PMS2 protein (p.Pro568Arg). This variant is present in population databases (no rsID available, gnomAD 0.0009%). This missense change has been observed in individual(s) with primary peritoneal cancer (PMID: 26845104). ClinVar contains an entry for this variant (Variation ID: 224585). Invitae Evidence Modeling incorporating data from in vitro experimental studies (internal data) indicates that this missense variant is not expected to disrupt PMS2 function with a negative predictive value of 95%. In summary, the available evidence is currently insufficient to determine the role of this variant in disease. Therefore, it has been classified as a Variant of Uncertain Significance.

Quest Diagnostics Nichols Institute San Juan Capistrano
Classification: Uncertain significance. Last evaluated: 2025-04-09. Review status: criteria provided, single submitter. Criteria: Quest Diagnostics criteria. Collection method: clinical testing. Allele origin: unknown.
Comment: The PMS2 c.1703C>G (p.Pro568Arg) variant has been reported in the published literature in an individual affected with peritoneal cancer with a family history of pancreatic, breast, and lymphoma cancer (PMID: 26845104 (2016)) and in individuals undergoing genetic testing (PMID: 39334433 (20204)). In a large scale breast cancer association study, this variant has been observed in breast cancer cases and reportedly unaffected individuals (PMID: 33471991 (2021), see also LOVD). The frequency of this variant in the general population (Genome Aggregation Database) is uninformative in the assessment of its pathogenicity. Analysis of this variant using bioinformatics tools for the prediction of the effect of amino acid changes on protein structure and function yielded predictions that this variant is benign. Based on the available information, we are unable to determine the clinical significance of this variant.

Center for Genomic Medicine, Rigshospitalet, Copenhagen University Hospital
Classification: Uncertain significance. Last evaluated: 2025-03-04. Review status: criteria provided, single submitter. Criteria: ACMG Guidelines, 2015. Collection method: clinical testing. Allele origin: germline.

PreventionGenetics, part of Exact Sciences
Classification: Uncertain significance for PMS2-related condition. Last evaluated: 2025-01-31. Review status: criteria provided, single submitter. Criteria: ACMG Guidelines, 2015. Collection method: clinical testing. Allele origin: germline.
Comment: The PMS2 c.1703C>G variant is predicted to result in the amino acid substitution p.Pro568Arg. This variant was reported as a variant of uncertain significance in an individual with primary peritoneal cancer (Table S1, Shirts et al. 2016. PubMed ID: 26845104). This variant is reported in 0.00088% of alleles in individuals of European (Non-Finnish) descent in gnomAD and is classified as a variant of uncertain significance in ClinVar. At this time, the clinical significance of this variant is uncertain due to the absence of conclusive functional and genetic evidence.

Ambry Genetics
Classification: Likely benign for Hereditary cancer-predisposing syndrome. Last evaluated: 2024-10-18. Review status: criteria provided, single submitter. Criteria: Ambry Variant Classification Scheme 2023. Collection method: clinical testing. Allele origin: germline.

All of Us Research Program, National Institutes of Health
Classification: Uncertain significance for Lynch syndrome. Last evaluated: 2024-06-09. Review status: criteria provided, single submitter. Criteria: ACMG Guidelines, 2015. Collection method: clinical testing. Allele origin: germline. Inheritance: Autosomal dominant inheritance. Observed: 4 variant alleles, 4 heterozygotes.
Comment: This missense variant replaces proline with arginine at codon 568 of the PMS2 protein. Computational prediction suggests that this variant may not impact protein structure and function (internally defined REVEL score threshold <= 0.5, PMID: 27666373). Splice site prediction tools suggest that this variant may not impact RNA splicing. To our knowledge, functional studies have not been reported for this variant. This variant has been reported in an individual affected with peritoneal cancer with a family history of pancreatic, breast and lymphoma cancer (PMID: 26845104). This variant has been identified in 1/251372 chromosomes in the general population by the Genome Aggregation Database (gnomAD). The available evidence is insufficient to determine the role of this variant in disease conclusively. Therefore, this variant is classified as a Variant of Uncertain Significance.

This study involves interpretation of variants in research participants for the purpose of population health screening. Participant phenotype was not available at the time of variant classification. Additional details can be found in publication PMID: 35346344, PMCID: PMC8962531

Color Diagnostics, LLC DBA Color Health
Classification: Uncertain significance for Hereditary cancer-predisposing syndrome. Last evaluated: 2024-04-18. Review status: criteria provided, single submitter. Criteria: ACMG Guidelines, 2015. Collection method: clinical testing. Allele origin: germline.
Comment: This missense variant replaces proline with arginine at codon 568 of the PMS2 protein. Computational prediction suggests that this variant may not impact protein structure and function (internally defined REVEL score threshold <= 0.5, PMID: 27666373). To our knowledge, functional studies have not been reported for this variant. This variant has been reported in an individual affected with peritoneal cancer with a family history of pancreatic cancer, breast cancer, and lymphoma (PMID: 26845104). This variant has been identified in 1/251372 chromosomes in the general population by the Genome Aggregation Database (gnomAD). The available evidence is insufficient to determine the role of this variant in disease conclusively. Therefore, this variant is classified as a Variant of Uncertain Significance.

Baylor Genetics
Classification: Uncertain significance for Lynch syndrome 4. Last evaluated: 2024-03-13. Review status: criteria provided, single submitter. Criteria: ACMG Guidelines, 2015. Collection method: clinical testing. Allele origin: unknown.

GeneDx
Classification: Uncertain significance. Last evaluated: 2023-10-12. Review status: criteria provided, single submitter. Criteria: GeneDx Variant Classification Process June 2021. Collection method: clinical testing. Allele origin: germline. Affected: yes.
Comment: Not observed at significant frequency in large population cohorts (gnomAD); In silico analysis supports that this missense variant does not alter protein structure/function; Observed in a patient with peritoneal cancer (Shirts et al., 2016); This variant is associated with the following publications: (PMID: 26845104)

University of Washington Department of Laboratory Medicine, University of Washington
Classification: Uncertain significance for Hereditary nonpolyposis colon cancer. Last evaluated: 2015-11-20. Review status: criteria provided, single submitter. Criteria: Shirts et al. (Genet Med 2016). Collection method: clinical testing. Allele origin: germline. Affected: yes. Observed: 1 variant allele.

Literature cited by the submitters: PubMed 26845104 (cited by 5 submitters); PubMed 33471991 (cited by Quest Diagnostics Nichols Institute San Juan Capistrano); PubMed 39334433 (cited by Quest Diagnostics Nichols Institute San Juan Capistrano).